The following is an entry in ClinVar:

NM_152703.5(SAMD9L):c.328GAA[2] (p.Glu112del)

Gene: SAMD9L (sterile alpha motif domain containing 9 like; minus strand). Cytogenetic location: 7q21.2.
Variant type: Microsatellite.
Coding change: c.328GAA[2] on transcript NM_152703.5 (MANE Select); two copies in a row of the 3-base unit GAA starting at c.328; the reference has three copies in a row; one copy, 3 bases deleted.
Protein change: p.Glu112del; deletes glutamic acid 112.
Molecular consequence: inframe deletion.
Genome position (GRCh38, 1-based): chr7:93,135,636-93,135,638, TTC deleted on the plus strand (GAA on the coding strand, the reverse complement: SAMD9L is on the minus strand); deleting any 3 consecutive bases within chr7:93,135,636-93,135,644 gives the same sequence; the position shown is the placement nearest the transcript's 3' end. VCF-style (leftmost placement, unchanged base first): chr7-93135635-TTTC-T. GRCh37 (hg19) VCF-style: chr7-92764948-TTTC-T.
Other names: c.328GAA[2], p.Glu112del (NM_001303496.3, NM_001303497.3, NM_001303498.3 and 5 more transcripts); c.334_336delGAA (NM_152703.3); short protein forms E112del.
Identifiers: ClinVar variation 1442453 (VCV001442453.5), dbSNP rs1465931075, ClinGen allele CA843919572.
Genomic context (GRCh38, chr7:93,135,635, plus strand): 5'-CTTCTTGTTTGATATCTCTGATCTCTCTGGGATCATAATCAATATTAGATGACATTGAAT[TTTC>T]TTCTTCCTTTTTGGTGTGTTTTGGATTTTTCTGGTGTTCTGTTTTGGACGGTTTTGAATT-3'

ClinVar aggregate classification (germline): Uncertain significance. Review status: criteria provided, single submitter (1 of 4 stars). 2 submissions from 2 submitters: Uncertain significance (1). 1 of the submissions does not count toward it. Last evaluated 2021-08-31.

Conditions:
SAMD9L-related disorder. Also called: SAMD9L-related disorders; SAMD9L-related condition.

Submissions (2):

Labcorp Genetics (formerly Invitae), Labcorp
Classification: Uncertain significance. Last evaluated: 2021-08-31. Review status: criteria provided, single submitter. Criteria: Invitae Variant Classification Sherloc (09022015). Collection method: clinical testing. Allele origin: germline.

PreventionGenetics, part of Exact Sciences
Classification: Uncertain significance for SAMD9L-related condition. Last evaluated: 2024-01-02. Review status: no assertion criteria provided. Collection method: clinical testing. Allele origin: germline. Not counted in ClinVar's aggregate classification.
Comment: The SAMD9L c.334_336delGAA variant is predicted to result in an in-frame deletion (p.Glu112del). To our knowledge, this variant has not been reported in the literature or in a large population database, indicating this variant is rare. It is interpreted as uncertain significance in ClinVar. At this time, the clinical significance of this variant is uncertain due to the absence of conclusive functional and genetic evidence.